The following is an entry in ClinVar:

ClinVar aggregate classification (germline): Uncertain significance. Review status: criteria provided, multiple submitters, no conflicts (2 of 4 stars). 2 submissions from 2 submitters: Uncertain significance (2). Last evaluated 2024-08-31.

Conditions:
Congenital myotonia, autosomal recessive form. Also called: Becker Generalized Myotonia; BECKER DISEASE; myotonia congenita, autosomal recessive. Identifiers: Orphanet 614, MedGen C0751360, MONDO:0009715, OMIM 255700.
Congenital myotonia, autosomal dominant form (THD). Also called: THOMSEN DISEASE; Myotonia congenita autosomal dominant. Identifiers: Orphanet 614, MedGen C2936781, MONDO:0008055, OMIM 160800.

Submissions (2):

Labcorp Genetics (formerly Invitae), Labcorp
Classification: Uncertain significance for Congenital myotonia, autosomal recessive form; Congenital myotonia, autosomal dominant form. Last evaluated: 2024-08-31. Review status: criteria provided, single submitter. Criteria: Invitae Variant Classification Sherloc (09022015). Collection method: clinical testing. Allele origin: germline.
Comment: This sequence change replaces serine, which is neutral and polar, with leucine, which is neutral and non-polar, at codon 403 of the CLCN1 protein (p.Ser403Leu). This variant is not present in population databases (gnomAD no frequency). This variant has not been reported in the literature in individuals affected with CLCN1-related conditions. ClinVar contains an entry for this variant (Variation ID: 2440105). Invitae Evidence Modeling of protein sequence and biophysical properties (such as structural, functional, and spatial information, amino acid conservation, physicochemical variation, residue mobility, and thermodynamic stability) has been performed for this missense variant. However, the output from this modeling did not meet the statistical confidence thresholds required to predict the impact of this variant on CLCN1 protein function. In summary, the available evidence is currently insufficient to determine the role of this variant in disease. Therefore, it has been classified as a Variant of Uncertain Significance.

Revvity Omics, Revvity
Classification: Uncertain significance. Last evaluated: 2022-08-12. Review status: criteria provided, single submitter. Criteria: ACMG Guidelines, 2015. Collection method: clinical testing. Allele origin: germline.

NM_000083.3(CLCN1):c.1208C>T (p.Ser403Leu)

Gene: CLCN1 (chloride voltage-gated channel 1; plus strand). Cytogenetic location: 7q34.
Variant type: single nucleotide variant.
Coding change: c.1208C>T on transcript NM_000083.3 (MANE Select); coding-DNA position 1208, C replaced by T.
Protein change: p.Ser403Leu; replaces serine 403 with leucine.
Molecular consequence: missense variant. On other transcripts: non-coding transcript variant (1).
Genome position (GRCh38, 1-based): chr7:143,332,460, C>T. VCF-style: chr7-143332460-C-T. GRCh37 (hg19) VCF-style: chr7-143029553-C-T.
Other names: short protein forms S403L.
Identifiers: ClinVar variation 2440105 (VCV002440105.5), dbSNP rs1031770273, ClinGen allele CA168213993.
Genomic context (GRCh38, chr7:143,332,460, plus strand): 5'-AACTCTGTTTCTTTTTCAGCCGCCTGCTGTATCCTGGAATTGTTACCTTTGTCATTGCCT[C>T]ATTCACCTTCCCACCAGGAATGGGTCAATTCATGGCTGGAGAGGTCAGCTGTTGGTGGGG-3'
Protein context (NP_000074.3, residues 393-413): YPGIVTFVIA[Ser403Leu]FTFPPGMGQF